The following is an entry in ClinVar:

NM_017721.5(CC2D1A):c.2146C>T (p.Leu716Phe)

Gene: CC2D1A (coiled-coil and C2 domain containing 1A; plus strand). Cytogenetic location: 19p13.12.
Variant type: single nucleotide variant.
Coding change: c.2146C>T on transcript NM_017721.5 (MANE Select); coding-DNA position 2146, C replaced by T.
Protein change: p.Leu716Phe; replaces leucine 716 with phenylalanine.
Molecular consequence: missense variant.
Genome position (GRCh38, 1-based): chr19:13,926,998, C>T. VCF-style: chr19-13926998-C-T. GRCh37 (hg19) VCF-style: chr19-14037811-C-T.
Other names: short protein forms L716F.
Identifiers: ClinVar variation 997918 (VCV000997918.1), dbSNP rs770391486, ClinGen allele CA9244958.
Genomic context (GRCh38, chr19:13,926,998, plus strand): 5'-CTGACCCCACCCAACTTCCTCTCCCTCCTTCCTCCTGCAGAGTTCAAGGAGCAGTTCAAA[C>T]TCTGCATCAACCGCAGCCACCGTGGCTTCCGAAGGGCCATCCAGACCAAGGGCATCAAGT-3'
Protein context (NP_060191.3, residues 706-726): DSPEFKEQFK[Leu716Phe]CINRSHRGFR

ClinVar aggregate classification (germline): Uncertain significance (1 of 4 stars; one submission).

Allele frequency attached by ClinVar (database versions not stated): gnomAD 0.00002; gnomAD exomes 0.00004 and 0.00010; TOPMed 0.00005; ExAC 0.00009.
gnomAD v4.1: 68 of 1,613,994 alleles (0.0042%); highest among the groups gnomAD compares: Middle Eastern, 0.049%; no homozygotes.

Submission:

Women's Health and Genetics/Laboratory Corporation of America, LabCorp
Classification: Uncertain significance. Last evaluated: 2021-02-12. Review status: criteria provided, single submitter. Criteria: LabCorp Variant Classification Summary - May 2015. Collection method: clinical testing. Allele origin: germline.
Comment: Variant summary: CC2D1A c.2146C>T (p.Leu716Phe) results in a non-conservative amino acid change located in the C2 domain (IPR000008) of the encoded protein sequence. Four of five in-silico tools predict a damaging effect of the variant on protein function. The variant allele was found at a frequency of 0.0001 in 249422 control chromosomes in the gnomAD database. To our knowledge, no occurrence of c.2146C>T in individuals affected with Intellectual Disability 3 and no experimental evidence demonstrating its impact on protein function have been reported. No clinical diagnostic laboratories have submitted clinical-significance assessments for this variant to ClinVar after 2014. Based on the evidence outlined above, the variant was classified as uncertain significance.